The following is an entry in ClinVar:

NM_018669.6(WDR4):c.1106C>T (p.Thr369Ile)

Gene: WDR4 (WDR4 tRNA N7-guanosine methyltransferase non-catalytic subunit; minus strand). Cytogenetic location: 21q22.3.
Variant type: single nucleotide variant.
Coding change: c.1106C>T on transcript NM_018669.6 (MANE Select); coding-DNA position 1106, C replaced by T.
Protein change: p.Thr369Ile; replaces threonine 369 with isoleucine.
Molecular consequence: missense variant. On other transcripts: non-coding transcript variant (1).
Genome position (GRCh38, 1-based): chr21:42,850,182, G>A on the plus strand (C>T on the coding strand, the complement: WDR4 is on the minus strand). VCF-style: chr21-42850182-G-A. GRCh37 (hg19) VCF-style: chr21-44270292-G-A.
Other names: c.1103C>T, p.Thr368Ile (NM_001260474.2); c.668C>T, p.Thr223Ile (NM_001260475.2, NM_001260476.2, NM_001260477.2 and 1 more transcripts); c.1106C>T, p.Thr369Ile (NM_033661.5); short protein forms T223I, T368I, T369I.
Identifiers: ClinVar variation 2138390 (VCV002138390.4), dbSNP rs201511482, ClinGen allele CA10045789.

ClinVar aggregate classification (germline): Uncertain significance (1 of 4 stars; one submission).

Allele frequency attached by ClinVar (database versions not stated): gnomAD 0.00001; gnomAD exomes 0.00001; ExAC 0.00002; TOPMed 0.00002; 1000 Genomes Project 30x 0.00016; 1000 Genomes Project 0.00020.
gnomAD v4.1: 12 of 1,613,986 alleles (0.00074%); highest among the groups gnomAD compares: Admixed American, 0.015%; no homozygotes.

Submission:

Labcorp Genetics (formerly Invitae), Labcorp
Classification: Uncertain significance. Last evaluated: 2022-08-21. Review status: criteria provided, single submitter. Criteria: Invitae Variant Classification Sherloc (09022015). Collection method: clinical testing. Allele origin: germline.
Comment: This variant is present in population databases (rs201511482, gnomAD 0.01%). In summary, the available evidence is currently insufficient to determine the role of this variant in disease. Therefore, it has been classified as a Variant of Uncertain Significance. Algorithms developed to predict the effect of missense changes on protein structure and function are either unavailable or do not agree on the potential impact of this missense change (SIFT: "Deleterious"; PolyPhen-2: "Benign"; Align-GVGD: "Class C0"). This variant has not been reported in the literature in individuals affected with WDR4-related conditions. This sequence change replaces threonine, which is neutral and polar, with isoleucine, which is neutral and non-polar, at codon 369 of the WDR4 protein (p.Thr369Ile).